The following is an entry in ClinVar:

NM_000222.3(KIT):c.1231+10A>G

Gene: KIT (KIT proto-oncogene, receptor tyrosine kinase; plus strand). Cytogenetic location: 4q12.
Variant type: single nucleotide variant.
Coding change: c.1231+10A>G on transcript NM_000222.3 (MANE Select); 10 bases into the intron after coding-DNA position 1231, A replaced by G.
Molecular consequence: intron variant.
Genome position (GRCh38, 1-based): chr4:54,709,549, A>G. VCF-style: chr4-54709549-A-G. GRCh37 (hg19) VCF-style: chr4-55575715-A-G.
Other names: c.1234+10A>G (NM_001385284.1, NM_001385290.1, NM_001385288.1 and 1 more transcripts); c.1231+10A>G (NM_001385285.1, NM_001093772.2, NM_001385286.1).
Identifiers: ClinVar variation 1159417 (VCV001159417.10), dbSNP rs759789335, ClinGen allele CA2923414.

ClinVar aggregate classification (germline): Likely benign. Review status: criteria provided, multiple submitters, no conflicts (2 of 4 stars). 2 submissions from 2 submitters: Likely benign (2). Last evaluated 2026-05-27.

Conditions:
Gastrointestinal stromal tumor. Also called: Gastrointestinal stroma tumor; Gastrointestinal stromal tumor, somatic. Identifiers: Orphanet 44890, MedGen C0238198, MeSH D046152, MONDO:0011719, OMIM 606764, HP:0100723.

Allele frequency attached by ClinVar (database versions not stated): gnomAD exomes below 0.00001; TOPMed below 0.00001; ExAC 0.00001; gnomAD 0.00001.

Submissions (2):

Myriad Genetics, Inc.
Classification: Likely benign for Gastrointestinal stromal tumor. Last evaluated: 2026-05-27. Review status: criteria provided, single submitter. Criteria: Myriad Autosomal Dominant, Autosomal Recessive and X-Linked Classification Criteria (2023). Collection method: clinical testing. Allele origin: unknown.
Comment: This variant is considered likely benign. This variant is intronic and is not expected to impact mRNA splicing.

Labcorp Genetics (formerly Invitae), Labcorp
Classification: Likely benign for Gastrointestinal stromal tumor. Last evaluated: 2026-01-13. Review status: criteria provided, single submitter. Criteria: Invitae Variant Classification Sherloc (09022015). Collection method: clinical testing. Allele origin: germline.